The following is an entry in ClinVar:

ClinVar aggregate classification (germline): Uncertain significance. Review status: criteria provided, multiple submitters, no conflicts (2 of 4 stars). 2 submissions from 2 submitters: Uncertain significance (2). Last evaluated 2025-06-20.

Conditions:
Joubert syndrome 17 (JBTS17). Identifiers: Orphanet 475, MedGen C3553264, MONDO:0013824, OMIM 614615.
Orofaciodigital syndrome type 6 (OFD6). Also called: OROFACIODIGITAL SYNDROME VI; OFDS VI; POLYDACTYLY, CLEFT LIP/PALATE OR LINGUAL LUMP, AND PSYCHOMOTOR RETARDATION; VARADI SYNDROME; VARADI-PAPP SYNDROME; Oral-facial-digital syndrome type 6. Identifiers: Orphanet 2754, MedGen C2745997, MONDO:0010176, OMIM 277170.

Allele frequency attached by ClinVar (database versions not stated): gnomAD exomes 0.00001; ExAC 0.00004; gnomAD 0.00007; ESP Exome Variant Server 0.00008; TOPMed 0.00010.
gnomAD v4.1: 22 of 1,480,404 alleles (0.0015%); highest among the groups gnomAD compares: African/African-American, 0.028%; no homozygotes.

Submissions (2):

Labcorp Genetics (formerly Invitae), Labcorp
Classification: Uncertain significance. Last evaluated: 2025-06-20. Review status: criteria provided, single submitter. Criteria: Invitae Variant Classification Sherloc (09022015). Collection method: clinical testing. Allele origin: germline.
Comment: This sequence change replaces valine, which is neutral and non-polar, with alanine, which is neutral and non-polar, at codon 1394 of the CPLANE1 protein (p.Val1394Ala). This variant is present in population databases (rs113930638, gnomAD 0.05%). This variant has not been reported in the literature in individuals affected with CPLANE1-related conditions. ClinVar contains an entry for this variant (Variation ID: 2041187). Invitae Evidence Modeling of protein sequence and biophysical properties (such as structural, functional, and spatial information, amino acid conservation, physicochemical variation, residue mobility, and thermodynamic stability) indicates that this missense variant is not expected to disrupt CPLANE1 protein function with a negative predictive value of 95%. In summary, the available evidence is currently insufficient to determine the role of this variant in disease. Therefore, it has been classified as a Variant of Uncertain Significance.

Fulgent Genetics
Classification: Uncertain significance for Orofaciodigital syndrome type 6; Joubert syndrome 17. Last evaluated: 2024-03-29. Review status: criteria provided, single submitter. Criteria: ACMG Guidelines, 2015. Collection method: clinical testing. Allele origin: germline.

NM_001384732.1(CPLANE1):c.4181T>C (p.Val1394Ala)

Gene: CPLANE1 (ciliogenesis and planar polarity effector complex subunit 1; minus strand). Cytogenetic location: 5p13.2.
Variant type: single nucleotide variant.
Coding change: c.4181T>C on transcript NM_001384732.1 (MANE Select); coding-DNA position 4181, T replaced by C.
Protein change: p.Val1394Ala; replaces valine 1394 with alanine.
Molecular consequence: missense variant.
Genome position (GRCh38, 1-based): chr5:37,186,294, A>G on the plus strand (T>C on the coding strand, the complement: CPLANE1 is on the minus strand). VCF-style: chr5-37186294-A-G. GRCh37 (hg19) VCF-style: chr5-37186396-A-G.
Other names: c.4181T>C, p.Val1394Ala (NM_023073.4); c.4181T>C (NM_023073.3); short protein forms V1394A.
Identifiers: ClinVar variation 2041187 (VCV002041187.3), dbSNP rs113930638, ClinGen allele CA3238759.